The following is an entry in ClinVar:

NM_000532.5(PCCB):c.561C>T (p.Ser187=)

Gene: PCCB (propionyl-CoA carboxylase subunit beta; plus strand). Cytogenetic location: 3q22.3.
Variant type: single nucleotide variant.
Coding change: c.561C>T on transcript NM_000532.5 (MANE Select); coding-DNA position 561, C replaced by T.
Protein change: p.Ser187=; no amino-acid change (serine 187 retained).
Molecular consequence: synonymous variant.
Genome position (GRCh38, 1-based): chr3:136,283,854, C>T. VCF-style: chr3-136283854-C-T. GRCh37 (hg19) VCF-style: chr3-136002696-C-T.
Other names: c.621C>T, p.Ser207= (NM_001178014.2).
Identifiers: ClinVar variation 671659 (VCV000671659.20), dbSNP rs145057852, ClinGen allele CA2631783.

ClinVar aggregate classification (germline): Conflicting classifications of pathogenicity. Review status: criteria provided, conflicting classifications (1 of 4 stars). 6 submissions from 6 submitters: Uncertain significance (1); Likely benign (3). 2 of the submissions do not count toward it. Last evaluated 2026-01-19.

Conditions:
PCCB-related disorder. Also called: PCCB-related condition.
Propionic acidemia (PROP). Also called: GLYCINEMIA, KETOTIC; HYPERGLYCINEMIA WITH KETOACIDOSIS AND LEUKOPENIA; KETOTIC HYPERGLYCINEMIA. Identifiers: Orphanet 35, MedGen C0268579, MONDO:0011628, OMIM 606054, HP:0003571.

Allele frequency attached by ClinVar (database versions not stated): ExAC 0.00006; gnomAD exomes 0.00006 and 0.00012; gnomAD 0.00008 and 0.00012; TOPMed 0.00013; 1000 Genomes Project 30x 0.00016; 1000 Genomes Project 0.00020; ESP Exome Variant Server 0.00023.

Submissions (6):

Labcorp Genetics (formerly Invitae), Labcorp
Classification: Likely benign for Propionic acidemia. Last evaluated: 2026-01-19. Review status: criteria provided, single submitter. Criteria: Invitae Variant Classification Sherloc (09022015). Collection method: clinical testing. Allele origin: germline.

Blueprint Genetics
Classification: Likely benign. Last evaluated: 2023-09-04. Review status: criteria provided, single submitter. Criteria: ACMG Guidelines, 2015. Collection method: clinical testing. Allele origin: germline.

GeneDx
Classification: Likely benign. Last evaluated: 2018-06-11. Review status: criteria provided, single submitter. Criteria: GeneDx Variant Classification (06012015). Collection method: clinical testing. Allele origin: germline. Affected: yes.
Comment: This variant is considered likely benign or benign based on one or more of the following criteria: it is a conservative change, it occurs at a poorly conserved position in the protein, it is predicted to be benign by multiple in silico algorithms, and/or has population frequency not consistent with disease.

Illumina Laboratory Services, Illumina
Classification: Uncertain significance for Propionic acidemia. Last evaluated: 2017-04-27. Review status: criteria provided, single submitter. Criteria: ICSL Variant Classification Criteria 13 December 2019. Collection method: clinical testing. Allele origin: germline.

PreventionGenetics, part of Exact Sciences
Classification: Likely benign for PCCB-related condition. Last evaluated: 2022-08-15. Review status: no assertion criteria provided. Collection method: clinical testing. Allele origin: germline. Not counted in ClinVar's aggregate classification.
Comment: This variant is classified as likely benign based on ACMG/AMP sequence variant interpretation guidelines (Richards et al. 2015 PMID: 25741868, with internal and published modifications).

Natera, Inc.
Classification: Likely benign for Propionic acidemia. Last evaluated: 2020-04-22. Review status: no assertion criteria provided. Collection method: clinical testing. Allele origin: germline. Not counted in ClinVar's aggregate classification.